The following is an entry in ClinVar:

NM_020937.4(FANCM):c.3479C>T (p.Pro1160Leu)

Gene: FANCM (FA complementation group M; plus strand). Cytogenetic location: 14q21.2.
Variant type: single nucleotide variant.
Coding change: c.3479C>T on transcript NM_020937.4 (MANE Select); coding-DNA position 3479, C replaced by T.
Protein change: p.Pro1160Leu; replaces proline 1160 with leucine.
Molecular consequence: missense variant.
Genome position (GRCh38, 1-based): chr14:45,176,233, C>T. VCF-style: chr14-45176233-C-T. GRCh37 (hg19) VCF-style: chr14-45645436-C-T.
Other names: c.3401C>T, p.Pro1134Leu (NM_001308133.2); short protein forms P1134L, P1160L.
Identifiers: ClinVar variation 3512881 (VCV003512881.1).

ClinVar aggregate classification (germline): Uncertain significance (1 of 4 stars; one submission).

Conditions:
Inborn genetic diseases. Identifiers: MedGen C0950123, MeSH D030342.

gnomAD v4.1: 1 of 1,614,020 alleles (0.000062%); highest among the groups gnomAD compares: Middle Eastern, 0.017%; no homozygotes.

Submission:

Ambry Genetics
Classification: Uncertain significance for Inborn genetic diseases. Last evaluated: 2024-10-02. Review status: criteria provided, single submitter. Criteria: Ambry Variant Classification Scheme 2023. Collection method: clinical testing. Allele origin: germline.
Comment: The p.P1160L variant (also known as c.3479C>T), located in coding exon 14 of the FANCM gene, results from a C to T substitution at nucleotide position 3479. The proline at codon 1160 is replaced by leucine, an amino acid with similar properties. This amino acid position is conserved. In addition, this alteration is predicted to be tolerated by in silico analysis. Based on the available evidence, the clinical significance of this variant remains unclear.